The following is an entry in ClinVar:

NM_020738.4(KIDINS220):c.1868A>T (p.Asp623Val)

Gene: KIDINS220 (kinase D interacting substrate 220; minus strand). Cytogenetic location: 2p25.1.
Variant type: single nucleotide variant.
Coding change: c.1868A>T on transcript NM_020738.4 (MANE Select); coding-DNA position 1868, A replaced by T.
Protein change: p.Asp623Val; replaces aspartic acid 623 with valine.
Molecular consequence: missense variant. On other transcripts: non-coding transcript variant (2).
Genome position (GRCh38, 1-based): chr2:8,786,277, T>A on the plus strand (A>T on the coding strand, the complement: KIDINS220 is on the minus strand). VCF-style: chr2-8786277-T-A. GRCh37 (hg19) VCF-style: chr2-8926407-T-A.
Other names: c.1871A>T, p.Asp624Val (NM_001348734.2, NM_001348739.2, NM_001348740.2 and 3 more transcripts); c.1868A>T, p.Asp623Val (NM_001348735.2, NM_001348738.2, NM_001348741.2 and 3 more transcripts); c.1742A>T, p.Asp581Val (NM_001348736.2); short protein forms D624V, D623V, D581V.
Identifiers: ClinVar variation 3863863 (VCV003863863.2).

ClinVar aggregate classification (germline): Uncertain significance. Review status: criteria provided, multiple submitters, no conflicts (2 of 4 stars). 2 submissions from 2 submitters: Uncertain significance (2). Last evaluated 2026-09-16.

Conditions:
Inborn genetic diseases. Identifiers: MedGen C0950123, MeSH D030342.
KIDINS220-related disorder. Also called: KIDINS220-related condition.

gnomAD v4.1: 5 of 1,614,116 alleles (0.00031%); highest among the groups gnomAD compares: Admixed American, 0.0067%; no homozygotes.

Submissions (2):

PreventionGenetics, part of Exact Sciences
Classification: Uncertain significance for KIDINS220-related condition. Last evaluated: 2026-09-16. Review status: criteria provided, single submitter. Criteria: ACMG Guidelines, 2015. Collection method: clinical testing. Allele origin: germline.
Comment: The KIDINS220 c.1868A>T variant is predicted to result in the amino acid substitution p.Asp623Val. To our knowledge, this variant has not been reported in the literature. This variant is reported in 0.012% of alleles in individuals of Latino descent in gnomAD. At this time, the clinical significance of this variant is uncertain due to the absence of conclusive functional and genetic evidence.

Ambry Genetics
Classification: Uncertain significance for Inborn genetic diseases. Last evaluated: 2025-01-28. Review status: criteria provided, single submitter. Criteria: Ambry Variant Classification Scheme 2023. Collection method: clinical testing. Allele origin: germline.